The following is an entry in ClinVar:

ClinVar aggregate classification (germline): Uncertain significance (1 of 4 stars; one submission).

Submission:

Labcorp Genetics (formerly Invitae), Labcorp
Classification: Uncertain significance. Last evaluated: 2022-03-26. Review status: criteria provided, single submitter. Criteria: Invitae Variant Classification Sherloc (09022015). Collection method: clinical testing. Allele origin: germline.
Comment: In summary, the available evidence is currently insufficient to determine the role of this variant in disease. Therefore, it has been classified as a Variant of Uncertain Significance. Algorithms developed to predict the effect of sequence changes on RNA splicing suggest that this variant may disrupt the consensus splice site. This variant has not been reported in the literature in individuals affected with EMC1-related conditions. This variant is not present in population databases (gnomAD no frequency). This sequence change falls in intron 10 of the EMC1 gene. It does not directly change the encoded amino acid sequence of the EMC1 protein.

NM_015047.3(EMC1):c.1090-7C>G

Genes: EMC1 (ER membrane protein complex subunit 1; minus strand), EMC1-AS1 (EMC1 antisense RNA 1; plus strand). Cytogenetic location: 1p36.13.
Variant type: single nucleotide variant.
Coding change: c.1090-7C>G on transcript NM_015047.3 (MANE Select); 7 bases into the intron before coding-DNA position 1090, C replaced by G.
Molecular consequence: intron variant.
Genome position (GRCh38, 1-based): chr1:19,238,146, G>C on the plus strand (C>G on the coding strand, the complement: EMC1 is on the minus strand). VCF-style: chr1-19238146-G-C. GRCh37 (hg19) VCF-style: chr1-19564640-G-C.
Other names: c.1024-7C>G (NM_001271429.2); c.1087-7C>G (NM_001271427.2, NM_001375821.1); c.1090-7C>G (NM_001271428.2, NM_001375820.1).
Identifiers: ClinVar variation 2117541 (VCV002117541.4), dbSNP rs770797071, ClinGen allele CA2580061433.
Genomic context (GRCh38, chr1:19,238,146, plus strand): 5'-CTCCACGAGGTATAGGTTAATGGTGTAGGTCTGATTGAAGCAAGCCAGAGAGTCCTAGGA[G>C]TACAGACAGCACGTGTCAACTACAGGTATCCCCCGAAAGCAAAGCCCACCAAAGGAAGTC-3'